The following is an entry in ClinVar:

NM_000492.4(CFTR):c.3963+6G>T

Gene: CFTR (CF transmembrane conductance regulator; plus strand). Cytogenetic location: 7q31.2.
Variant type: single nucleotide variant.
Coding change: c.3963+6G>T on transcript NM_000492.4 (MANE Select); 6 bases into the intron after coding-DNA position 3963, G replaced by T.
Molecular consequence: intron variant.
Genome position (GRCh38, 1-based): chr7:117,652,937, G>T. VCF-style: chr7-117652937-G-T. GRCh37 (hg19) VCF-style: chr7-117292991-G-T.
Identifiers: ClinVar variation 1330039 (VCV001330039.7), dbSNP rs1793110791, ClinGen allele CA457229967.
Genomic context (GRCh38, chr7:117,652,937, plus strand): 5'-CTTGGATCCCTATGAACAGTGGAGTGATCAAGAAATATGGAAAGTTGCAGATGAGGTAAG[G>T]CTGCTAACTGAAATGATTTTGAAAGGGGTAACTCATACCAACACAAATGGCTGATATAGC-3'

ClinVar aggregate classification (germline): Uncertain significance. Review status: criteria provided, multiple submitters, no conflicts (2 of 4 stars). 5 submissions from 5 submitters: Uncertain significance (4). 1 of the submissions does not count toward it. Last evaluated 2025-09-02.

Conditions:
Cystic fibrosis (CF). Also called: MUCOVISCIDOSIS. Identifiers: Orphanet 586, MedGen C0010674, MONDO:0009061, OMIM 219700. Disease mechanism: loss of function.
CFTR-related disorder (CFTR-RD). Also called: CFTR-related disorders; CFTR-related condition. Identifiers: MedGen C5924204, MONDO:7770004.

Allele frequency attached by ClinVar (database versions not stated): TOPMed below 0.00001; gnomAD 0.00001.
gnomAD v4.1: 10 of 1,556,844 alleles (0.00064%); highest among the groups gnomAD compares: Middle Eastern, 0.021%; no homozygotes.

Submissions (5):

Women's Health and Genetics/Laboratory Corporation of America, LabCorp
Classification: Uncertain significance. Last evaluated: 2025-09-02. Review status: criteria provided, single submitter. Criteria: LabCorp Variant Classification Summary - May 2015. Collection method: clinical testing. Allele origin: germline.
Comment: Variant summary: CFTR c.3963+6G>T alters a non-conserved nucleotide located close to a canonical splice site and therefore could affect mRNA splicing, leading to a significantly altered protein sequence. Consensus agreement among computation tools predict no significant impact on normal splicing. However, these predictions have yet to be confirmed by functional studies. The variant was absent in 250260 control chromosomes. The available data on variant occurrences in the general population are insufficient to allow any conclusion about variant significance. c.3963+6G>T has been reported in the literature in an individual who underwent newborn screening for Cystic Fibrosis who also had p.F508del without parental testing to confirm phase (Prach_2013), and no diagnosis was reported. These report(s) do not provide unequivocal conclusions about association of the variant with Cystic Fibrosis. To our knowledge, no experimental evidence demonstrating an impact on protein function has been reported. The following publication has been ascertained in the context of this evaluation (PMID: 23810505). ClinVar contains an entry for this variant (Variation ID: 1330039). Based on the evidence outlined above, the variant was classified as uncertain significance.

Genomic Medicine Center of Excellence, King Faisal Specialist Hospital and Research Centre
Classification: Uncertain significance for Cystic fibrosis. Last evaluated: 2024-12-19. Review status: criteria provided, single submitter. Criteria: ACMG Guidelines, 2015. Collection method: clinical testing. Allele origin: germline.

Labcorp Genetics (formerly Invitae), Labcorp
Classification: Uncertain significance for Cystic fibrosis. Last evaluated: 2022-06-15. Review status: criteria provided, single submitter. Criteria: Invitae Variant Classification Sherloc (09022015). Collection method: clinical testing. Allele origin: germline.
Comment: This sequence change falls in intron 24 of the CFTR gene. It does not directly change the encoded amino acid sequence of the CFTR protein. It affects a nucleotide within the consensus splice site. This variant is not present in population databases (gnomAD no frequency). This variant has not been reported in the literature in individuals affected with CFTR-related conditions. ClinVar contains an entry for this variant (Variation ID: 1330039). Variants that disrupt the consensus splice site are a relatively common cause of aberrant splicing (PMID: 17576681, 9536098). Algorithms developed to predict the effect of sequence changes on RNA splicing suggest that this variant is not likely to affect RNA splicing. In summary, the available evidence is currently insufficient to determine the role of this variant in disease. Therefore, it has been classified as a Variant of Uncertain Significance.

Quest Diagnostics Nichols Institute San Juan Capistrano
Classification: Uncertain significance. Last evaluated: 2020-12-10. Review status: criteria provided, single submitter. Criteria: Quest Diagnostics criteria. Collection method: clinical testing. Allele origin: unknown.

PreventionGenetics, part of Exact Sciences
Classification: Likely benign for CFTR-related condition. Last evaluated: 2022-04-04. Review status: no assertion criteria provided. Collection method: clinical testing. Allele origin: germline. Not counted in ClinVar's aggregate classification.
Comment: This variant is classified as likely benign based on ACMG/AMP sequence variant interpretation guidelines (Richards et al. 2015 PMID: 25741868, with internal and published modifications).

Literature cited by the submitters: PubMed 23810505 (cited by Women's Health and Genetics/Laboratory Corporation of America, LabCorp); PubMed 17576681 (cited by Labcorp Genetics (formerly Invitae), Labcorp); PubMed 9536098 (cited by Labcorp Genetics (formerly Invitae), Labcorp).